The following is an entry in ClinVar:

ClinVar aggregate classification (germline): Conflicting classifications of pathogenicity. Review status: criteria provided, conflicting classifications (1 of 4 stars). 2 submissions from 2 submitters: Pathogenic (1); Uncertain significance (1). Last evaluated 2025-05-20.

Conditions:
Combined osteogenesis imperfecta and Ehlers-Danlos syndrome 2. Also called: OIEDS SYNDROME 2. Identifiers: MedGen C5436847, MONDO:0030855, OMIM 619120.

Submissions (2):

GeneDx
Classification: Pathogenic. Last evaluated: 2025-05-20. Review status: criteria provided, single submitter. Criteria: GeneDx Variant Classification Process June 2021. Collection method: clinical testing. Allele origin: germline.
Comment: Damages or destroys the splice donor site in intron 14, and is expected to cause abnormal gene splicing; if the splice outcome is exon skipping, the loss of the encoded residues in the triple helical region is expected to disrupt normal protein folding and function, and this is an established mechanism of disease (HGMD); Not observed at significant frequency in large population cohorts (gnomAD); This variant is associated with the following publications: (PMID: 35154279, 23692737, 35647203)

MGZ Medical Genetics Center
Classification: Uncertain significance for Combined osteogenesis imperfecta and Ehlers-Danlos syndrome 2. Last evaluated: 2022-07-25. Review status: criteria provided, single submitter. Criteria: ACMG Guidelines, 2015. Collection method: clinical testing. Allele origin: germline. Affected: yes. Observed: 1 variant allele.
Comment: ACMG criteria applied: PM2_SUP, PP3

NM_000089.4(COL1A2):c.693+5G>A

Gene: COL1A2 (collagen type I alpha 2 chain; plus strand). Cytogenetic location: 7q21.3.
Variant type: single nucleotide variant.
Coding change: c.693+5G>A on transcript NM_000089.4 (MANE Select); 5 bases into the intron after coding-DNA position 693, G replaced by A.
Molecular consequence: intron variant.
Genome position (GRCh38, 1-based): chr7:94,408,241, G>A. VCF-style: chr7-94408241-G-A. GRCh37 (hg19) VCF-style: chr7-94037553-G-A.
Identifiers: ClinVar variation 1709681 (VCV001709681.4), dbSNP rs2484705751, ClinGen allele CA2580060348.
Genomic context (GRCh38, chr7:94,408,241, plus strand): 5'-AGGGAGCCCGTGGGCTTCCTGGTGAGAGAGGACGTGTTGGTGCCCCTGGCCCAGCTGTAA[G>A]TGCTTCCATTTTTGTTCAGTTTCATCCTTTTAAAAAATCTTCTAATGGCTGTCATTTAAG-3'